The following is an entry in ClinVar:

NM_000287.4(PEX6):c.1440TGC[2] (p.Ala483del)

Gene: PEX6 (peroxisomal biogenesis factor 6; minus strand). Cytogenetic location: 6p21.1.
Variant type: Microsatellite.
Coding change: c.1440TGC[2] on transcript NM_000287.4 (MANE Select); two copies in a row of the 3-base unit TGC starting at c.1440; the reference has three copies in a row; one copy, 3 bases deleted.
Protein change: p.Ala483del; deletes alanine 483.
Molecular consequence: inframe deletion. On other transcripts: non-coding transcript variant (1).
Genome position (GRCh38, 1-based): chr6:42,968,905-42,968,907, GCA deleted on the plus strand (TGC on the coding strand, the reverse complement: PEX6 is on the minus strand); deleting any 3 consecutive bases within chr6:42,968,905-42,968,913 gives the same sequence; the position shown is the placement nearest the transcript's 3' end. VCF-style (leftmost placement, unchanged base first): chr6-42968904-GGCA-G. GRCh37 (hg19) VCF-style: chr6-42936642-GGCA-G.
Other names: c.1446_1448delTGC (NM_000287.4); c.1176TGC[2], p.Ala395del (NM_001316313.2); short protein forms A483del, A395del.
Identifiers: ClinVar variation 558266 (VCV000558266.37), dbSNP rs1554127389, ClinGen allele CA658821896.

ClinVar aggregate classification (germline): Conflicting classifications of pathogenicity. Review status: criteria provided, conflicting classifications (1 of 4 stars). 4 submissions from 4 submitters: Likely pathogenic (2); Uncertain significance (1). 1 of the submissions does not count toward it. Last evaluated 2025-11-17.

Conditions:
Peroxisome biogenesis disorder. Identifiers: Orphanet 79189, MedGen C1832200, MONDO:0019234. Disease mechanism: loss of function.
Peroxisome biogenesis disorder 4A (Zellweger) (PBD4A). Also called: Zellweger syndrome spectrum (PEX6-related). Identifiers: Orphanet 912, MedGen C3553936, MONDO:0013930, OMIM 614862. Disease mechanism: loss of function.
Peroxisome biogenesis disorder 4B (PBD4B). Also called: SPINOCEREBELLAR ATAXIA WITH BLINDNESS AND DEAFNESS 1. Identifiers: Orphanet 44, Orphanet 95433, MedGen C3553937, MONDO:0013931, OMIM 614863.
Heimler syndrome 2 (HMLR2). Also called: PEROXISOME BIOGENESIS DISORDER 4C. Identifiers: Orphanet 3220, MedGen C4225267, OMIM 616617, MONDO:0014709.

Submissions (4):

Labcorp Genetics (formerly Invitae), Labcorp
Classification: Uncertain significance for Peroxisome biogenesis disorder. Last evaluated: 2025-11-17. Review status: criteria provided, single submitter. Criteria: Invitae Variant Classification Sherloc (09022015). Collection method: clinical testing. Allele origin: germline.
Comment: This variant, c.1446_1448del, results in the deletion of 1 amino acid(s) of the PEX6 protein (p.Ala483del), but otherwise preserves the integrity of the reading frame. This variant is not present in population databases (gnomAD no frequency). This variant has not been reported in the literature in individuals affected with PEX6-related conditions. Experimental studies and prediction algorithms are not available or were not evaluated, and the functional significance of this variant is currently unknown. In summary, the available evidence is currently insufficient to determine the role of this variant in disease. Therefore, it has been classified as a Variant of Uncertain Significance.

First Genomix Gene Laboratory, Genetic Diagnostics Department
Classification: Likely pathogenic for Heimler syndrome 2; Peroxisome biogenesis disorder 4A (Zellweger); Peroxisome biogenesis disorder 4B. Last evaluated: 2025-01-20. Review status: criteria provided, single submitter. Criteria: ACMG Guidelines, 2015. Collection method: clinical testing. Allele origin: germline. Inheritance: Autosomal recessive inheritance. Affected: no. Observed: 1 variant allele.

CeGaT Center for Human Genetics Tuebingen
Classification: Likely pathogenic. Last evaluated: 2022-11-01. Review status: criteria provided, single submitter. Criteria: CeGaT Center For Human Genetics Tuebingen Variant Classification Criteria Version 2. Collection method: clinical testing. Allele origin: germline. Affected: yes. Observed: 3 variant alleles.
Comment: PEX6: PM2, PM4, PP4:Moderate, PM3:Supporting, PS4:Supporting

Counsyl
Classification: Uncertain significance for Peroxisome biogenesis disorder 4A (Zellweger); Peroxisome biogenesis disorder 4B. Last evaluated: 2018-05-10. Review status: no assertion criteria provided. Collection method: clinical testing. Allele origin: unknown. Not counted in ClinVar's aggregate classification.